The following is an entry in ClinVar:

ClinVar aggregate classification (germline): Uncertain significance (1 of 4 stars; one submission).

Conditions:
Nephronophthisis. Also called: Juvenile Nephronophthisis. Identifiers: Orphanet 655, MedGen C0687120, MONDO:0019005, HP:0000090.

Allele frequency attached by ClinVar (database versions not stated): gnomAD exomes below 0.00001.
gnomAD v4.1: 2 of 1,614,102 alleles (0.00012%); highest among the groups gnomAD compares: Non-Finnish European, 0.00017%; no homozygotes.

Submission:

Labcorp Genetics (formerly Invitae), Labcorp
Classification: Uncertain significance for Nephronophthisis. Last evaluated: 2022-04-24. Review status: criteria provided, single submitter. Criteria: Invitae Variant Classification Sherloc (09022015). Collection method: clinical testing. Allele origin: germline.
Comment: This sequence change replaces alanine, which is neutral and non-polar, with threonine, which is neutral and polar, at codon 707 of the NPHP3 protein (p.Ala707Thr). This variant is not present in population databases (gnomAD no frequency). This variant has not been reported in the literature in individuals affected with NPHP3-related conditions. Algorithms developed to predict the effect of missense changes on protein structure and function (SIFT, PolyPhen-2, Align-GVGD) all suggest that this variant is likely to be tolerated. In summary, the available evidence is currently insufficient to determine the role of this variant in disease. Therefore, it has been classified as a Variant of Uncertain Significance.

NM_153240.5(NPHP3):c.2119G>A (p.Ala707Thr)

Genes: NPHP3 (nephrocystin 3; minus strand), NPHP3-ACAD11 (NPHP3-ACAD11 readthrough (NMD candidate); minus strand). Cytogenetic location: 3q22.1.
Variant type: single nucleotide variant.
Coding change: c.2119G>A on transcript NM_153240.5 (MANE Select); coding-DNA position 2119, G replaced by A.
Protein change: p.Ala707Thr; replaces alanine 707 with threonine.
Molecular consequence: missense variant. On other transcripts: non-coding transcript variant (1).
Genome position (GRCh38, 1-based): chr3:132,696,783, C>T on the plus strand (G>A on the coding strand, the complement: NPHP3 is on the minus strand). VCF-style: chr3-132696783-C-T. GRCh37 (hg19) VCF-style: chr3-132415627-C-T.
Other names: short protein forms A707T.
Identifiers: ClinVar variation 2199550 (VCV002199550.4), dbSNP rs2530420712, ClinGen allele CA354582039.